The following is an entry in ClinVar:

Single allele

Gene: DMD (dystrophin; minus strand). Cytogenetic location: Xp21.1.
Variant type: Deletion.
Identifiers: ClinVar variation 1698714 (VCV001698714.2).

ClinVar aggregate classification (germline): Uncertain significance (1 of 4 stars; one submission).

Conditions:
Duchenne muscular dystrophy (DMD). Also called: MUSCULAR DYSTROPHY, PSEUDOHYPERTROPHIC PROGRESSIVE, DUCHENNE TYPE; Duchenne Muscular Dystrophy (DMD). Identifiers: Orphanet 98896, MedGen C0013264, MONDO:0010679, OMIM 310200.

Submission:

Broad Center for Mendelian Genomics, Broad Institute of MIT and Harvard
Classification: Uncertain significance for Duchenne muscular dystrophy. Last evaluated: 2021-04-30. Review status: criteria provided, single submitter. Criteria: ACMG/ClinGen CNV Guidelines, 2019. Collection method: clinical testing. Allele origin: germline. Affected: no.
Comment: This intragenic variant is not predicted to cause a frameshift, and is more likely to escape nonsense mediated decay (NMD) and result in a truncated protein. The copy number loss in this gene has not been previously reported, but multi-exon deletions in DMD are usually associated with disease (ranging from mild Becker’s to severe Duchenne’s; and some female carriers can manifest with mild symptoms). The location of the curated copy number loss is upstream of a known alternative splice site for the “B” isoform (Dp260) of DMD. This implies that the intronic ATG start site (in intron 29) is spared in this curated variant. In summary, while the clinical significance of the variant is uncertain, these data suggest that it is more likely to be benign. The ACMG/ClinGen evidence codes and points used in this curation are as follows: 1A: 0 points, 2E PVS1_moderate: 0.3 points, 3A: 0 points, 5C: -0.15 points, 5E: -0.30 points; Total: 0 points; Riggs 2020 (PMID: 31690835).